The following is an entry in ClinVar:

ClinVar aggregate classification (germline): Uncertain significance. Review status: criteria provided, multiple submitters, no conflicts (2 of 4 stars). 2 submissions from 2 submitters: Uncertain significance (2). Last evaluated 2024-09-09.

Conditions:
Primary ciliary dyskinesia. Also called: Ciliary dyskinesia. Identifiers: Orphanet 244, MedGen C0008780, MONDO:0016575, HP:0012265.

Allele frequency attached by ClinVar (database versions not stated): ExAC 0.00009; ESP Exome Variant Server 0.00031.
gnomAD v4.1: 121 of 1,613,992 alleles (0.0075%); highest among the groups gnomAD compares: African/African-American, 0.028%; no homozygotes.

Submissions (2):

Ambry Genetics
Classification: Uncertain significance. Last evaluated: 2024-09-09. Review status: criteria provided, single submitter. Criteria: Ambry Variant Classification Scheme 2023. Collection method: clinical testing. Allele origin: germline.

Labcorp Genetics (formerly Invitae), Labcorp
Classification: Uncertain significance for Primary ciliary dyskinesia. Last evaluated: 2022-07-30. Review status: criteria provided, single submitter. Criteria: Invitae Variant Classification Sherloc (09022015). Collection method: clinical testing. Allele origin: germline.
Comment: This sequence change replaces arginine, which is basic and polar, with histidine, which is basic and polar, at codon 4018 of the DNAH8 protein (p.Arg4018His). This variant is present in population databases (rs144156671, gnomAD 0.04%). This variant has not been reported in the literature in individuals affected with DNAH8-related conditions. Algorithms developed to predict the effect of missense changes on protein structure and function are either unavailable or do not agree on the potential impact of this missense change (SIFT: "Deleterious"; PolyPhen-2: "Not Available"; Align-GVGD: "Class C0"). Algorithms developed to predict the effect of sequence changes on RNA splicing suggest that this variant may disrupt the consensus splice site. In summary, the available evidence is currently insufficient to determine the role of this variant in disease. Therefore, it has been classified as a Variant of Uncertain Significance.

NM_001206927.2(DNAH8):c.12053G>A (p.Arg4018His)

Genes: DNAH8 (dynein axonemal heavy chain 8; plus strand), DNAH8-AS1 (DNAH8 antisense RNA 1; minus strand). Cytogenetic location: 6p21.2.
Variant type: single nucleotide variant.
Coding change: c.12053G>A on transcript NM_001206927.2 (MANE Select); coding-DNA position 12053, G replaced by A.
Protein change: p.Arg4018His; replaces arginine 4018 with histidine.
Molecular consequence: missense variant.
Genome position (GRCh38, 1-based): chr6:38,945,512, G>A. VCF-style: chr6-38945512-G-A. GRCh37 (hg19) VCF-style: chr6-38913288-G-A.
Other names: c.11402G>A, p.Arg3801His (NM_001371.4); c.12053G>A (NM_001206927.1); short protein forms R3801H, R4018H.
Identifiers: ClinVar variation 2040227 (VCV002040227.2), dbSNP rs144156671, ClinGen allele CA3791253.